The following is an entry in ClinVar:

NM_001165963.4(SCN1A):c.3953T>G (p.Leu1318Arg)

Genes: SCN1A (sodium voltage-gated channel alpha subunit 1; minus strand), LOC102724058 (uncharacterized LOC102724058; plus strand). Cytogenetic location: 2q24.3.
Variant type: single nucleotide variant.
Coding change: c.3953T>G on transcript NM_001165963.4 (MANE Select); coding-DNA position 3953, T replaced by G.
Protein change: p.Leu1318Arg; replaces leucine 1318 with arginine.
Molecular consequence: missense variant. On other transcripts: non-coding transcript variant (1).
Genome position (GRCh38, 1-based): chr2:166,009,768, A>C on the plus strand (T>G on the coding strand, the complement: SCN1A is on the minus strand). VCF-style: chr2-166009768-A-C. GRCh37 (hg19) VCF-style: chr2-166866278-A-C.
Other names: c.3869T>G, p.Leu1290Arg (NM_001165964.3, NM_001353957.2, NM_001353958.2); c.3953T>G, p.Leu1318Arg (NM_001202435.3, NM_001353948.2); c.3920T>G, p.Leu1307Arg (NM_001353949.2, NM_001353950.2, NM_001353951.2 and 2 more transcripts); c.3917T>G, p.Leu1306Arg (NM_001353954.2, NM_001353955.2); c.3866T>G, p.Leu1289Arg (NM_001353960.2); c.1511T>G, p.Leu504Arg (NM_001353961.2); short protein forms L1289R, L1290R, L1306R, L1307R, L1318R, L504R.
Identifiers: ClinVar variation 4531255 (VCV004531255.1).
Genomic context (GRCh38, chr2:166,009,768, plus strand): 5'-ATTTTTCTTACCCTCATCCCTTCAAATCGAGATAAGGCTCTTAGAGGTCTCAGAGCTCTT[A>C]GTGTCCTGAGAGATTTGATGGCTCCAAGTTCTGAGTAACCCAAGGCATTTGCTGTTAAAC-3'
Protein context (NP_001159435.1, residues 1308-1328): ELGAIKSLRT[Leu1318Arg]RALRPLRALS

ClinVar aggregate classification (germline): Likely pathogenic (1 of 4 stars; one submission).

Conditions:
Severe myoclonic epilepsy in infancy (DRVT). Also called: Epileptic encephalopathy, early infantile, 6 (Dravet syndrome); Dravet syndrome; SEVERE MYOCLONIC EPILEPSY OF INFANCY; DEVELOPMENTAL AND EPILEPTIC ENCEPHALOPATHY 6A; Severe Myoclonic Epilepsy in Infancy (SMEI). Identifiers: Orphanet 33069, MedGen C0751122, MONDO:0100135, OMIM 607208.

Submission:

Juno Genomics, Hangzhou Juno Genomics, Inc
Classification: Likely pathogenic for Severe myoclonic epilepsy in infancy. Review status: criteria provided, single submitter. Criteria: ACMG Guidelines, 2015. Collection method: clinical testing. Allele origin: germline. Affected: yes.
Comment: Absent from controls (or at extremely low frequency if recessive) in Genome Aggregation Database, Exome Sequencing Project, 1000 Genomes Project, or Exome Aggregation Consortium.;Multiple lines of computational evidence support a deleterious effect on the gene or gene product (conservation, evolutionary, splicing impact, etc).;The prevalence of the variant in affected individuals is significantly increased compared to the prevalence in controls.